The following is an entry in ClinVar:

ClinVar aggregate classification (germline): Uncertain significance (1 of 4 stars; one submission).

Conditions:
Alstrom syndrome (ALMS). Identifiers: Orphanet 64, MedGen C0268425, MONDO:0008763, OMIM 203800.

Submission:

Labcorp Genetics (formerly Invitae), Labcorp
Classification: Uncertain significance for Alstrom syndrome. Last evaluated: 2022-08-09. Review status: criteria provided, single submitter. Criteria: Invitae Variant Classification Sherloc (09022015). Collection method: clinical testing. Allele origin: germline.
Comment: In summary, the available evidence is currently insufficient to determine the role of this variant in disease. Therefore, it has been classified as a Variant of Uncertain Significance. Algorithms developed to predict the effect of missense changes on protein structure and function output the following: SIFT: "Not Available"; PolyPhen-2: "Not Available"; Align-GVGD: "Not Available". The glycine amino acid residue is found in multiple mammalian species, which suggests that this missense change does not adversely affect protein function. ClinVar contains an entry for this variant (Variation ID: 1376335). This variant has not been reported in the literature in individuals affected with ALMS1-related conditions. This variant is not present in population databases (gnomAD no frequency). This sequence change replaces serine, which is neutral and polar, with glycine, which is neutral and non-polar, at codon 2094 of the ALMS1 protein (p.Ser2094Gly).

NM_001378454.1(ALMS1):c.6277A>G (p.Ser2093Gly)

Gene: ALMS1 (ALMS1 centrosome and basal body associated protein; plus strand). Cytogenetic location: 2p13.1.
Variant type: single nucleotide variant.
Coding change: c.6277A>G on transcript NM_001378454.1 (MANE Select); coding-DNA position 6277, A replaced by G.
Protein change: p.Ser2093Gly; replaces serine 2093 with glycine.
Molecular consequence: missense variant.
Genome position (GRCh38, 1-based): chr2:73,452,804, A>G. VCF-style: chr2-73452804-A-G. GRCh37 (hg19) VCF-style: chr2-73679931-A-G.
Other names: c.6280A>G, p.Ser2094Gly (NM_015120.4); short protein forms S2093G, S2094G.
Identifiers: ClinVar variation 1376335 (VCV001376335.4), dbSNP rs2103789537, ClinGen allele CA347285506.
Genomic context (GRCh38, chr2:73,452,804, plus strand): 5'-AAGATTTCAGCTGTCCCTGAACTAACTGATGTGAATACTGGAAAACCAGTATCTCTCTCT[A>G]GTTCTTATTTTCACAGAGAGAAATCGAATATTTTCAGTCCACAGGAATTGCCAGGTAGTC-3'
Protein context (NP_001365383.1, residues 2083-2103): VNTGKPVSLS[Ser2093Gly]SYFHREKSNI